The following is an entry in ClinVar:

ClinVar aggregate classification (germline): Uncertain significance (0 of 4 stars; one submission).

Allele frequency attached by ClinVar (database versions not stated): gnomAD exomes below 0.00001; ExAC 0.00001.
gnomAD v4.1: 1 of 1,613,934 alleles (0.000062%); highest among the groups gnomAD compares: East Asian, 0.0022%; no homozygotes.

Submission:

Martin Pollak Laboratory,  Beth Israel Deaconess Medical Center
Classification: Uncertain significance. Review status: no assertion criteria provided. Collection method: not provided. Allele origin: unknown.
Comment: Lower UCa2+ group
ClinVar note: Converted during submission from unknown to Uncertain significance.

NM_000085.5(CLCNKB):c.1675G>A (p.Ala559Thr)

Genes: CLCNKB (chloride voltage-gated channel Kb; plus strand), LOC106501713 (CLCNKB recombination region; plus strand). Cytogenetic location: 1p36.13.
Variant type: single nucleotide variant.
Coding change: c.1675G>A on transcript NM_000085.5 (MANE Select); coding-DNA position 1675, G replaced by A.
Protein change: p.Ala559Thr; replaces alanine 559 with threonine.
Molecular consequence: missense variant.
Genome position (GRCh38, 1-based): chr1:16,053,691, G>A. VCF-style: chr1-16053691-G-A. GRCh37 (hg19) VCF-style: chr1-16380186-G-A.
Other names: c.1168G>A, p.Ala390Thr (NM_001165945.2); short protein forms A559T, A390T.
Identifiers: ClinVar variation 64377 (VCV000064377.2), dbSNP rs387907410, ClinGen allele CA216006.